The following is an entry in ClinVar:

ClinVar aggregate classification (germline): Conflicting classifications of pathogenicity. Review status: criteria provided, conflicting classifications (1 of 4 stars). 3 submissions from 3 submitters: Uncertain significance (1); Likely benign (1). 1 of the submissions does not count toward it. Last evaluated 2024-06-09.

Conditions:
RPS6KA3-related disorder. Also called: RPS6KA3-related condition.
Coffin-Lowry syndrome (CLS). Also called: COFFIN-LOWRY SYNDROME, MILD; Mental retardation with osteocartilaginous abnormalities. Identifiers: Orphanet 192, MedGen C0265252, MONDO:0010561, OMIM 303600.
Intellectual developmental disorder, X-linked 19. Also called: Intellectual disability, X-linked 19. Identifiers: Orphanet 777, MedGen C0796225, MONDO:0010447, OMIM 300844.

Allele frequency attached by ClinVar (database versions not stated): gnomAD exomes below 0.00001; TOPMed 0.00002.
gnomAD v4.1: 4 of 1,163,153 alleles (0.00034%); highest among the groups gnomAD compares: East Asian, 0.003%; no homozygotes.

Submissions (4):

Labcorp Genetics (formerly Invitae), Labcorp
Classification: Likely benign for Coffin-Lowry syndrome; Intellectual developmental disorder, X-linked 19. Last evaluated: 2024-06-09. Review status: criteria provided, single submitter. Criteria: Invitae Variant Classification Sherloc (09022015). Collection method: clinical testing. Allele origin: germline.

Genetic Services Laboratory, University of Chicago
Classification: Uncertain significance. Last evaluated: 2016-12-16. Review status: criteria provided, single submitter. Criteria: ACMG Guidelines, 2015. Collection method: clinical testing. Allele origin: germline. Affected: no.

PreventionGenetics, part of Exact Sciences
Classification: Likely benign for RPS6KA3-related condition. Last evaluated: 2024-04-11. Review status: no assertion criteria provided. Collection method: clinical testing. Allele origin: germline. Not counted in ClinVar's aggregate classification.
Comment: This variant is classified as likely benign based on ACMG/AMP sequence variant interpretation guidelines (Richards et al. 2015 PMID: 25741868, with internal and published modifications).

Dr. Peter K. Rogan Lab, Western University
No classification provided (evidence only). Condition: Ovarian serous cystadenocarcinoma. Review status: no classification provided. Collection method: in vitro. Allele origin: not applicable. Functional consequence: retained intron. Not counted in ClinVar's aggregate classification.

NM_004586.3(RPS6KA3):c.225G>T (p.Gly75=)

Gene: RPS6KA3 (ribosomal protein S6 kinase A3; minus strand). Cytogenetic location: Xp22.12.
Variant type: single nucleotide variant.
Coding change: c.225G>T on transcript NM_004586.3 (MANE Select); coding-DNA position 225, G replaced by T.
Protein change: p.Gly75=; no amino-acid change (glycine 75 retained).
Molecular consequence: synonymous variant.
Genome position (GRCh38, 1-based): chrX:20,209,306, C>A on the plus strand (G>T on the coding strand, the complement: RPS6KA3 is on the minus strand). VCF-style: chrX-20209306-C-A. GRCh37 (hg19) VCF-style: chrX-20227424-C-A.
Identifiers: ClinVar variation 436559 (VCV000436559.11), dbSNP rs1555950495, ClinGen allele CA515613166.